The following is an entry in ClinVar:

NM_001003694.2(BRPF1):c.3629G>T (p.Gly1210Val)

Gene: BRPF1 (bromodomain and PHD finger containing 1; plus strand). Cytogenetic location: 3p25.3.
Variant type: single nucleotide variant.
Coding change: c.3629G>T on transcript NM_001003694.2 (MANE Select); coding-DNA position 3629, G replaced by T.
Protein change: p.Gly1210Val; replaces glycine 1210 with valine.
Molecular consequence: missense variant. On other transcripts: non-coding transcript variant (1).
Genome position (GRCh38, 1-based): chr3:9,747,315, G>T. VCF-style: chr3-9747315-G-T. GRCh37 (hg19) VCF-style: chr3-9788999-G-T.
Other names: c.3326G>T, p.Gly1109Val (NM_001319049.2); c.3608G>T, p.Gly1203Val (NM_001319050.2, NM_001438343.1); c.3626G>T, p.Gly1209Val (NM_001410704.1); c.3713G>T, p.Gly1238Val (NM_001437892.1); c.3710G>T, p.Gly1237Val (NM_001438342.1); c.3344G>T, p.Gly1115Val (NM_001438344.1); c.3341G>T, p.Gly1114Val (NM_001438345.1); c.3323G>T, p.Gly1108Val (NM_001438346.1); and 1 more; short protein forms G1108V, G1109V, G1114V, G1115V, G1203V, G1204V, G1209V, G1210V.
Identifiers: ClinVar variation 4532636 (VCV004532636.1).
Genomic context (GRCh38, chr3:9,747,315, plus strand): 5'-TCCGCAAGTCAGTACAGATCGCCTACCACAGGGCTCTGCAGCACCGCAGCAAGGTGCAAG[G>T]CGAGCAGAGCAGTGAGACCAGCGATAGTGATTGATACTGCTCAACACAGCCCAACCTATA-3'
Protein context (NP_001003694.1, residues 1200-1220): RALQHRSKVQ[Gly1210Val]EQSSETSDSD

ClinVar aggregate classification (germline): Uncertain significance (1 of 4 stars; one submission).

gnomAD v4.1: 2 of 1,614,208 alleles (0.00012%); highest among the groups gnomAD compares: Non-Finnish European, 0.00017%; no homozygotes.

Submission:

GeneDx
Classification: Uncertain significance. Last evaluated: 2025-05-27. Review status: criteria provided, single submitter. Criteria: GeneDx Variant Classification Process June 2021. Collection method: clinical testing. Allele origin: germline. Affected: yes.
Comment: Not observed at significant frequency in large population cohorts (gnomAD); In silico analysis supports that this missense variant has a deleterious effect on protein structure/function; Has not been previously published as pathogenic or benign to our knowledge